The following is an entry in ClinVar:

NM_001377229.1(DISP1):c.2839G>A (p.Val947Met)

Gene: DISP1 (dispatched RND transporter family member 1; plus strand). Cytogenetic location: 1q41.
Variant type: single nucleotide variant.
Coding change: c.2839G>A on transcript NM_001377229.1 (MANE Select); coding-DNA position 2839, G replaced by A.
Protein change: p.Val947Met; replaces valine 947 with methionine.
Molecular consequence: missense variant.
Genome position (GRCh38, 1-based): chr1:223,004,236, G>A. VCF-style: chr1-223004236-G-A. GRCh37 (hg19) VCF-style: chr1-223177578-G-A.
Other names: c.2110G>A, p.Val704Met (NM_001350630.2); c.2839G>A, p.Val947Met (NM_001369594.1, NM_001377228.1, NM_032890.5); short protein forms V704M, V947M.
Identifiers: ClinVar variation 4845551 (VCV004845551.1).

ClinVar aggregate classification (germline): Likely pathogenic (1 of 4 stars; one submission).

Conditions:
Holoprosencephaly 10. Identifiers: MedGen C2675857, MONDO:0976262, OMIM 621143.

Submission:

Greenwood Genetic Center Diagnostic Laboratories, Greenwood Genetic Center
Classification: Likely pathogenic for Holoprosencephaly 10. Last evaluated: 2025-12-19. Review status: criteria provided, single submitter. Criteria: ACMG Guidelines, 2015. Collection method: clinical testing. Allele origin: germline. Affected: yes.
Comment: PM2, PM6, PP2, PP3